The following is an entry in ClinVar:

NM_014495.4(ANGPTL3):c.776T>C (p.Met259Thr)

Genes: ANGPTL3 (angiopoietin like 3; plus strand), DOCK7 (dedicator of cytokinesis 7; minus strand). Cytogenetic location: 1p31.3.
Variant type: single nucleotide variant.
Coding change: c.776T>C on transcript NM_014495.4 (MANE Select); coding-DNA position 776, T replaced by C.
Protein change: p.Met259Thr; replaces methionine 259 with threonine.
Molecular consequence: missense variant. On other transcripts: intron variant (7).
Genome position (GRCh38, 1-based): chr1:62,601,823, T>C. VCF-style: chr1-62601823-T-C. GRCh37 (hg19) VCF-style: chr1-63067494-T-C.
Other names: c.1683-15199A>G (NM_001272001.2, NM_001272000.2, NM_033407.4 and 4 more transcripts); short protein forms M259T.
Identifiers: ClinVar variation 775556 (VCV000775556.10), dbSNP rs77871363, ClinGen allele CA886684.

ClinVar aggregate classification (germline): Benign. Review status: criteria provided, multiple submitters, no conflicts (2 of 4 stars). 4 submissions from 4 submitters: Benign (4). Last evaluated 2026-02-01.

Conditions:
Developmental and epileptic encephalopathy, 23 (DEE23). Also called: Epileptic encephalopathy, early infantile, 23. Identifiers: Orphanet 411986, MedGen C4014492, MONDO:0014371, OMIM 615859.

Allele frequency attached by ClinVar (database versions not stated): TOPMed 0.01826; ESP Exome Variant Server 0.01630; ExAC 0.00495; 1000 Genomes Project 0.01717; 1000 Genomes Project 30x 0.01843.
gnomAD v4.1: 4,599 of 1,610,354 alleles (0.29%); highest among the groups gnomAD compares: African/African-American, 5.3%; 99 homozygotes.

Submissions (4):

Labcorp Genetics (formerly Invitae), Labcorp
Classification: Benign. Last evaluated: 2026-02-01. Review status: criteria provided, single submitter. Criteria: Invitae Variant Classification Sherloc (09022015). Collection method: clinical testing. Allele origin: germline.

Genome-Nilou Lab
Classification: Benign for Developmental and epileptic encephalopathy, 23. Last evaluated: 2023-04-11. Review status: criteria provided, single submitter. Criteria: ACMG Guidelines, 2015. Collection method: clinical testing. Allele origin: germline. Affected: no.

GeneDx
Classification: Benign. Last evaluated: 2018-07-13. Review status: criteria provided, single submitter. Criteria: GeneDx Variant Classification Process June 2021. Collection method: clinical testing. Allele origin: germline. Affected: yes.
Comment: This variant is associated with the following publications: (PMID: 29540175)

Breakthrough Genomics
Classification: Benign. Review status: criteria provided, single submitter. Criteria: ACMG Guidelines, 2015. Collection method: not provided. Allele origin: germline. Inheritance: Autosomal recessive inheritance. Affected: yes.